The following is an entry in ClinVar:

NM_016373.4(WWOX):c.249C>T (p.Thr83=)

Gene: WWOX (WW domain containing oxidoreductase; plus strand). Cytogenetic location: 16q23.1.
Variant type: single nucleotide variant.
Coding change: c.249C>T on transcript NM_016373.4 (MANE Select); coding-DNA position 249, C replaced by T.
Protein change: p.Thr83=; no amino-acid change (threonine 83 retained).
Molecular consequence: synonymous variant. On other transcripts: 5 prime UTR variant (1), non-coding transcript variant (1).
Genome position (GRCh38, 1-based): chr16:78,114,994, C>T. VCF-style: chr16-78114994-C-T. GRCh37 (hg19) VCF-style: chr16-78148891-C-T.
Other names: c.-91C>T (NM_001291997.2); c.249C>T, p.Thr83= (NM_130791.5).
Identifiers: ClinVar variation 5040633 (VCV005040633.1).

ClinVar aggregate classification (germline): Likely benign (1 of 4 stars; one submission).

Submission:

CeGaT Center for Human Genetics Tuebingen
Classification: Likely benign. Last evaluated: 2026-08-01. Review status: criteria provided, single submitter. Criteria: CeGaT Center For Human Genetics Tuebingen Variant Classification Criteria Version 2. Collection method: clinical testing. Allele origin: germline. Affected: yes. Observed: 1 variant allele.
Comment: WWOX: PM2:Supporting, BP4, BP7